The following is an entry in ClinVar:

ClinVar aggregate classification (germline): Uncertain significance. Review status: criteria provided, multiple submitters, no conflicts (2 of 4 stars). 2 submissions from 2 submitters: Uncertain significance (2). Last evaluated 2023-09-29.

Conditions:
Intellectual developmental disorder, X-linked 97. Also called: Intellectual disability, X-linked 97. Identifiers: Orphanet 777, MedGen C2749020, MONDO:0010430, OMIM 300803.

Allele frequency attached by ClinVar (database versions not stated): TOPMed below 0.00001.

Submissions (2):

GeneDx
Classification: Uncertain significance. Last evaluated: 2023-09-29. Review status: criteria provided, single submitter. Criteria: GeneDx Variant Classification Process June 2021. Collection method: clinical testing. Allele origin: germline. Affected: yes.
Comment: Not observed at significant frequency in large population cohorts (gnomAD); In silico analysis supports that this missense variant has a deleterious effect on protein structure/function; Has not been previously published as pathogenic or benign to our knowledge

Illumina Laboratory Services, Illumina
Classification: Uncertain significance for Intellectual developmental disorder, X-linked 97. Last evaluated: 2018-01-13. Review status: criteria provided, single submitter. Criteria: ICSL Variant Classification Criteria 13 December 2019. Collection method: clinical testing. Allele origin: germline.

NM_001330574.2(ZNF711):c.2162C>T (p.Pro721Leu)

Gene: ZNF711 (ZFX family zinc finger ZNF711; plus strand). Cytogenetic location: Xq21.1.
Variant type: single nucleotide variant.
Coding change: c.2162C>T on transcript NM_001330574.2 (MANE Select); coding-DNA position 2162, C replaced by T.
Protein change: p.Pro721Leu; replaces proline 721 with leucine.
Molecular consequence: missense variant.
Genome position (GRCh38, 1-based): chrX:85,271,566, C>T. VCF-style: chrX-85271566-C-T. GRCh37 (hg19) VCF-style: chrX-84526572-C-T.
Other names: c.2024C>T, p.Pro675Leu (NM_021998.5); short protein forms P675L, P721L.
Identifiers: ClinVar variation 368747 (VCV000368747.7), dbSNP rs1057516014, ClinGen allele CA10646425.
Genomic context (GRCh38, chrX:85,271,566, plus strand): 5'-AAACATCCGATCCATTTATTCTTAGTGGCCATATCCTTTCAGTTCATACTAAAGATCAGC[C>T]ATTGAAATGTAAAAGGTGCAAGAGAGGATTCAGACAACAAAATGAGCTAAAAAAACATAT-3'
Protein context (NP_001317503.1, residues 711-731): HILSVHTKDQ[Pro721Leu]LKCKRCKRGF